The following is an entry in ClinVar:

ClinVar aggregate classification (germline): Likely pathogenic (1 of 4 stars; one submission).

Submission:

Labcorp Genetics (formerly Invitae), Labcorp
Classification: Likely pathogenic. Last evaluated: 2022-03-16. Review status: criteria provided, single submitter. Criteria: Invitae Variant Classification Sherloc (09022015). Collection method: clinical testing. Allele origin: germline.
Comment: In summary, the currently available evidence indicates that the variant is pathogenic, but additional data are needed to prove that conclusively. Therefore, this variant has been classified as Likely Pathogenic. This variant has not been reported in the literature in individuals affected with PCDH12-related conditions. This variant results in the deletion of part of exon 1 (c.2380_2880+1440del) of the PCDH12 gene. It is expected to disrupt RNA splicing. Variants that disrupt the donor or acceptor splice site typically lead to a loss of protein function (PMID: 16199547), and loss-of-function variants in PCDH12 are known to be pathogenic (PMID: 27164683, 29556033).

Literature cited by the submitters: PubMed 16199547; PubMed 27164683; PubMed 29556033.

NC_000005.9:g.(?_141333097)_(141335037_?)del

Gene: PCDH12 (protocadherin 12; minus strand). Cytogenetic location: 5q31.3.
Variant type: Deletion.
Identifiers: ClinVar variation 2426310 (VCV002426310.4).